The following is an entry in ClinVar:

NM_001204.7(BMPR2):c.2771C>A (p.Ala924Glu)

Gene: BMPR2 (bone morphogenetic protein receptor type 2; plus strand). Cytogenetic location: 2q33.2.
Variant type: single nucleotide variant.
Coding change: c.2771C>A on transcript NM_001204.7 (MANE Select); coding-DNA position 2771, C replaced by A.
Protein change: p.Ala924Glu; replaces alanine 924 with glutamic acid.
Molecular consequence: missense variant.
Genome position (GRCh38, 1-based): chr2:202,556,436, C>A. VCF-style: chr2-202556436-C-A. GRCh37 (hg19) VCF-style: chr2-203421159-C-A.
Other names: short protein forms A924E.
Identifiers: ClinVar variation 3481312 (VCV003481312.1).
Genomic context (GRCh38, chr2:202,556,436, plus strand): 5'-ACAACAACAGCAATCCATGTTCAGAACAAGATGTTCTTGCACAGGGTGTTCCAAGCACAG[C>A]AGCAGATCCTGGGCCATCAAAGCCCAGAAGAGCACAGAGGCCTAATTCTCTGGATCTTTC-3'
Protein context (NP_001195.2, residues 914-934): DVLAQGVPST[Ala924Glu]ADPGPSKPRR

ClinVar aggregate classification (germline): Uncertain significance (1 of 4 stars; one submission).

Conditions:
Inborn genetic diseases. Identifiers: MedGen C0950123, MeSH D030342.

gnomAD v4.1: 3 of 1,614,172 alleles (0.00019%); highest among the groups gnomAD compares: Non-Finnish European, 0.00025%; no homozygotes.

Submission:

Ambry Genetics
Classification: Uncertain significance for Inborn genetic diseases. Last evaluated: 2024-11-27. Review status: criteria provided, single submitter. Criteria: Ambry Variant Classification Scheme 2023. Collection method: clinical testing. Allele origin: germline.
Comment: The p.A924E variant (also known as c.2771C>A), located in coding exon 12 of the BMPR2 gene, results from a C to A substitution at nucleotide position 2771. The alanine at codon 924 is replaced by glutamic acid, an amino acid with dissimilar properties. This amino acid position is conserved. In addition, this alteration is predicted to be tolerated by in silico analysis. Based on the available evidence, the clinical significance of this variant remains unclear.